The following is an entry in ClinVar:

ClinVar aggregate classification (germline): Uncertain significance (1 of 4 stars; one submission).

Allele frequency attached by ClinVar (database versions not stated): gnomAD exomes below 0.00001; TOPMed below 0.00001; ExAC 0.00001; gnomAD 0.00001.
gnomAD v4.1: 3 of 1,591,290 alleles (0.00019%); highest among the groups gnomAD compares: Admixed American, 0.0019%; no homozygotes.

Submission:

GeneDx
Classification: Uncertain significance. Last evaluated: 2022-04-29. Review status: criteria provided, single submitter. Criteria: GeneDx Variant Classification Process June 2021. Collection method: clinical testing. Allele origin: germline. Affected: yes.
Comment: Not observed at significant frequency in large population cohorts (gnomAD); In silico analysis supports that this missense variant has a deleterious effect on protein structure/function; Has not been previously published as pathogenic or benign to our knowledge

NM_022173.4(TIA1):c.731G>A (p.Arg244Gln)

Gene: TIA1 (TIA1 cytotoxic granule associated RNA binding protein; minus strand). Cytogenetic location: 2p13.3.
Variant type: single nucleotide variant.
Coding change: c.731G>A on transcript NM_022173.4 (MANE Select); coding-DNA position 731, G replaced by A.
Protein change: p.Arg244Gln; replaces arginine 244 with glutamine.
Molecular consequence: missense variant. On other transcripts: non-coding transcript variant (17).
Genome position (GRCh38, 1-based): chr2:70,216,241, C>T on the plus strand (G>A on the coding strand, the complement: TIA1 is on the minus strand). VCF-style: chr2-70216241-C-T. GRCh37 (hg19) VCF-style: chr2-70443373-C-T.
Other names: c.731G>A, p.Arg244Gln (NM_001351508.2, NM_001351516.2); c.704G>A, p.Arg235Gln (NM_001351509.2); c.698G>A, p.Arg233Gln (NM_001351510.2, NM_022037.4); c.620G>A, p.Arg207Gln (NM_001351511.1); c.593G>A, p.Arg198Gln (NM_001351512.1); c.587G>A, p.Arg196Gln (NM_001351513.1); c.503G>A, p.Arg168Gln (NM_001351514.2); c.428G>A, p.Arg143Gln (NM_001351515.2); and 1 more; short protein forms R104Q, R143Q, R168Q, R196Q, R198Q, R207Q, R233Q, R235Q.
Identifiers: ClinVar variation 1722856 (VCV001722856.2), dbSNP rs777224522, ClinGen allele CA1697487.